The following is an entry in ClinVar:

NM_021074.5(NDUFV2):c.121-6G>A

Gene: NDUFV2 (NADH:ubiquinone oxidoreductase core subunit V2; plus strand). Cytogenetic location: 18p11.22.
Variant type: single nucleotide variant.
Coding change: c.121-6G>A on transcript NM_021074.5 (MANE Select); 6 bases into the intron before coding-DNA position 121, G replaced by A.
Molecular consequence: intron variant.
Genome position (GRCh38, 1-based): chr18:9,119,320, G>A. VCF-style: chr18-9119320-G-A. GRCh37 (hg19) VCF-style: chr18-9119318-G-A.
Identifiers: ClinVar variation 2296714 (VCV002296714.2), dbSNP rs376880054, ClinGen allele CA296487499.

ClinVar aggregate classification (germline): Uncertain significance (1 of 4 stars; one submission).

Conditions:
Inborn genetic diseases. Identifiers: MedGen C0950123, MeSH D030342.

Allele frequency attached by ClinVar (database versions not stated): ESP Exome Variant Server 0.00008; TOPMed 0.00009.
gnomAD v4.1: 14 of 1,610,990 alleles (0.00087%); highest among the groups gnomAD compares: African/African-American, 0.017%; no homozygotes.

Submission:

Ambry Genetics
Classification: Uncertain significance for Inborn genetic diseases. Last evaluated: 2022-07-05. Review status: criteria provided, single submitter. Criteria: Ambry Variant Classification Scheme 2023. Collection method: clinical testing. Allele origin: germline.
Comment: The c.121-6G>A intronic alteration consists of a G to A substitution 6 nucleotides before coding exon 3 in the NDUFV2 gene. Based on insufficient or conflicting evidence, the clinical significance of this alteration remains unclear.